The following is an entry in ClinVar:

NM_005359.6(SMAD4):c.88G>A (p.Gly30Arg)

Gene: SMAD4 (SMAD family member 4; plus strand). Cytogenetic location: 18q21.2.
Variant type: single nucleotide variant.
Coding change: c.88G>A on transcript NM_005359.6 (MANE Select); coding-DNA position 88, G replaced by A.
Protein change: p.Gly30Arg; replaces glycine 30 with arginine.
Molecular consequence: missense variant. On other transcripts: non-coding transcript variant (2).
Genome position (GRCh38, 1-based): chr18:51,047,134, G>A. VCF-style: chr18-51047134-G-A. GRCh37 (hg19) VCF-style: chr18-48573504-G-A.
Other names: c.88G>A, p.Gly30Arg (NM_001407041.1, NM_001407042.1, NM_001407043.1); short protein forms G30R.
Identifiers: ClinVar variation 4803014 (VCV004803014.1).

ClinVar aggregate classification (germline): Uncertain significance (1 of 4 stars; one submission).

Conditions:
Juvenile polyposis syndrome (JPS). Identifiers: Orphanet 2929, MedGen C0345893, MONDO:0017380, OMIM 174900.

Submission:

Labcorp Genetics (formerly Invitae), Labcorp
Classification: Uncertain significance for Juvenile polyposis syndrome. Last evaluated: 2026-01-06. Review status: criteria provided, single submitter. Criteria: Invitae Variant Classification Sherloc (09022015). Collection method: clinical testing. Allele origin: germline.
Comment: This sequence change replaces glycine, which is neutral and non-polar, with arginine, which is basic and polar, at codon 30 of the SMAD4 protein (p.Gly30Arg). This variant is not present in population databases (gnomAD no frequency). This variant has not been reported in the literature in individuals affected with SMAD4-related conditions. Invitae Evidence Modeling of protein sequence and biophysical properties (such as structural, functional, and spatial information, amino acid conservation, physicochemical variation, residue mobility, and thermodynamic stability) has been performed for this missense variant. However, the output from this modeling did not meet the statistical confidence thresholds required to predict the impact of this variant on SMAD4 protein function. In summary, the available evidence is currently insufficient to determine the role of this variant in disease. Therefore, it has been classified as a Variant of Uncertain Significance.